The following is an entry in ClinVar:

ClinVar aggregate classification (germline): Likely benign (1 of 4 stars; one submission).

Submission:

CeGaT Center for Human Genetics Tuebingen
Classification: Likely benign. Last evaluated: 2024-09-01. Review status: criteria provided, single submitter. Criteria: CeGaT Center For Human Genetics Tuebingen Variant Classification Criteria Version 2. Collection method: clinical testing. Allele origin: germline. Affected: yes. Observed: 1 variant allele.
Comment: LIAT1: BP4, BP7

NM_001013672.5(LIAT1):c.657C>T (p.Pro219=)

Genes: LIAT1 (ligand of ATE1; plus strand), LOC105371430 (uncharacterized LOC105371430; minus strand). Cytogenetic location: 17p13.3.
Variant type: single nucleotide variant.
Coding change: c.657C>T on transcript NM_001013672.5 (MANE Select); coding-DNA position 657, C replaced by T.
Protein change: p.Pro219=; no amino-acid change (proline 219 retained).
Molecular consequence: synonymous variant.
Genome position (GRCh38, 1-based): chr17:413,500, C>T. VCF-style: chr17-413500-C-T. GRCh37 (hg19) VCF-style: chr17-263291-C-T.
Identifiers: ClinVar variation 3388124 (VCV003388124.14).